The following is an entry in ClinVar:

ClinVar aggregate classification (germline): Uncertain significance. Review status: no assertion criteria provided (0 of 4 stars). 2 submissions from 1 submitter: Uncertain significance (1). 1 of the submissions does not count toward it.

Submissions (2):

Richard Lifton Laboratory, Yale University School of Medicine
Classification: Uncertain significance. Review status: no assertion criteria provided. Collection method: not provided. Allele origin: somatic.
Comment: KRT39:p.R487S
ClinVar note: Converted during submission from unknown to Uncertain significance.

Richard Lifton Laboratory, Yale University School of Medicine
Classification: Uncertain significance. Review status: flagged submission. Collection method: not provided. Allele origin: somatic. Not counted in ClinVar's aggregate classification.
ClinVar note: Converted during submission from unknown to Uncertain significance.
ClinVar note: Reason: This record appears to be redundant with a more recent record from the same submitter.
ClinVar note: Notes: SCV000120124 appears to be redundant with SCV000155228.

NM_213656.4(KRT39):c.1461A>C (p.Arg487Ser)

Gene: KRT39 (keratin 39; minus strand). Cytogenetic location: 17q21.2.
Variant type: single nucleotide variant.
Coding change: c.1461A>C on transcript NM_213656.4 (MANE Select); coding-DNA position 1461, A replaced by C.
Protein change: p.Arg487Ser; replaces arginine 487 with serine.
Molecular consequence: missense variant.
Genome position (GRCh38, 1-based): chr17:40,958,616, T>G on the plus strand (A>C on the coding strand, the complement: KRT39 is on the minus strand). VCF-style: chr17-40958616-T-G. GRCh37 (hg19) VCF-style: chr17-39114868-T-G.
Other names: short protein forms R487S.
Identifiers: ClinVar variation 100899 (VCV000100899.2), dbSNP rs483352776, ClinGen allele CA229227.